The following is an entry in ClinVar:

ClinVar aggregate classification (germline): Uncertain significance. Review status: criteria provided, multiple submitters, no conflicts (2 of 4 stars). 2 submissions from 2 submitters: Uncertain significance (2). Last evaluated 2024-06-03.

Conditions:
Gray platelet syndrome (GPS). Also called: BLEEDING DISORDER, PLATELET-TYPE, 4. Identifiers: Orphanet 721, MedGen C0272302, MONDO:0007686, OMIM 139090.

Submissions (2):

Women's Health and Genetics/Laboratory Corporation of America, LabCorp
Classification: Uncertain significance. Last evaluated: 2024-06-03. Review status: criteria provided, single submitter. Criteria: LabCorp Variant Classification Summary - May 2015. Collection method: clinical testing. Allele origin: germline.
Comment: Variant summary: NBEAL2 c.7501C>T (p.His2501Tyr) results in a conservative amino acid change located in the Neurobeachin, beta-propeller domain (IPR046851) of the encoded protein sequence. Four of five in-silico tools predict a damaging effect of the variant on protein function. The variant was absent in 1608878 control chromosomes (gnomAD v4.1). c.7501C>T has been reported in the literature in an individual affected with Gray Platelet Syndrome (Sims_2020). These data indicate that the variant may be associated with disease. To our knowledge, no experimental evidence demonstrating an impact on protein function has been reported. The following publication has been ascertained in the context of this evaluation (PMID: 32693407). ClinVar contains an entry for this variant (Variation ID: 982291). Based on the evidence outlined above, the variant was classified as VUS-possibly pathogenic.

NIHR Bioresource Rare Diseases, University of Cambridge
Classification: Uncertain significance for Gray platelet syndrome. Last evaluated: 2020-03-01. Review status: criteria provided, single submitter. Criteria: ACMG Guidelines, 2015. Collection method: research. Allele origin: unknown. Inheritance: Autosomal recessive inheritance. Affected: yes. Observed: 1 homozygote.
Comment: ACMG criteria: PM2, PP3, PP4

Literature cited by the submitters: PubMed 32693407 (cited by Women's Health and Genetics/Laboratory Corporation of America, LabCorp and NIHR Bioresource Rare Diseases, University of Cambridge).

NM_015175.3(NBEAL2):c.7501C>T (p.His2501Tyr)

Gene: NBEAL2 (neurobeachin like 2; plus strand). Cytogenetic location: 3p21.31.
Variant type: single nucleotide variant.
Coding change: c.7501C>T on transcript NM_015175.3 (MANE Select); coding-DNA position 7501, C replaced by T.
Protein change: p.His2501Tyr; replaces histidine 2501 with tyrosine.
Molecular consequence: missense variant.
Genome position (GRCh38, 1-based): chr3:47,007,691, C>T. VCF-style: chr3-47007691-C-T. GRCh37 (hg19) VCF-style: chr3-47049181-C-T.
Other names: c.7399C>T, p.His2467Tyr (NM_001365116.2); short protein forms H2467Y, H2501Y.
Identifiers: ClinVar variation 982291 (VCV000982291.2), dbSNP rs1405730457, ClinGen allele CA352544155.